The following is an entry in ClinVar:

ClinVar aggregate classification (germline): Conflicting classifications of pathogenicity. Review status: criteria provided, conflicting classifications (1 of 4 stars). 3 submissions from 3 submitters: Uncertain significance (2); Likely benign (1). Last evaluated 2025-08-14.

Conditions:
Cardiovascular phenotype. Identifiers: MedGen CN230736.

Allele frequency attached by ClinVar (database versions not stated): gnomAD exomes 0.00004; TOPMed 0.00028; gnomAD 0.00029.
gnomAD v4.1: 98 of 1,613,492 alleles (0.0061%); highest among the groups gnomAD compares: Admixed American, 0.11%; no homozygotes.

Submissions (3):

Labcorp Genetics (formerly Invitae), Labcorp
Classification: Uncertain significance. Last evaluated: 2025-08-14. Review status: criteria provided, single submitter. Criteria: Invitae Variant Classification Sherloc (09022015). Collection method: clinical testing. Allele origin: germline.
Comment: This sequence change replaces leucine, which is neutral and non-polar, with phenylalanine, which is neutral and non-polar, at codon 3 of the MFAP5 protein (p.Leu3Phe). This variant is present in population databases (no rsID available, gnomAD 0.06%), and has an allele count higher than expected for a pathogenic variant. This variant has not been reported in the literature in individuals affected with MFAP5-related conditions. ClinVar contains an entry for this variant (Variation ID: 1761590). An algorithm developed to predict the effect of missense changes on protein structure and function outputs the following: PolyPhen-2: "Benign". The phenylalanine amino acid residue is found in multiple mammalian species, which suggests that this missense change does not adversely affect protein function. In summary, the available evidence is currently insufficient to determine the role of this variant in disease. Therefore, it has been classified as a Variant of Uncertain Significance.

Ambry Genetics
Classification: Uncertain significance for Cardiovascular phenotype. Last evaluated: 2025-07-15. Review status: criteria provided, single submitter. Criteria: Ambry Variant Classification Scheme 2023. Collection method: clinical testing. Allele origin: germline.

Blueprint Genetics
Classification: Likely benign. Last evaluated: 2023-08-28. Review status: criteria provided, single submitter. Criteria: ACMG Guidelines, 2015. Collection method: clinical testing. Allele origin: germline.

NM_003480.4(MFAP5):c.7C>T (p.Leu3Phe)

Gene: MFAP5 (microfibril associated protein 5; minus strand). Cytogenetic location: 12p13.31.
Variant type: single nucleotide variant.
Coding change: c.7C>T on transcript NM_003480.4 (MANE Select); coding-DNA position 7, C replaced by T.
Protein change: p.Leu3Phe; replaces leucine 3 with phenylalanine.
Molecular consequence: missense variant. On other transcripts: non-coding transcript variant (2).
Genome position (GRCh38, 1-based): chr12:8,662,098, G>A on the plus strand (C>T on the coding strand, the complement: MFAP5 is on the minus strand). VCF-style: chr12-8662098-G-A. GRCh37 (hg19) VCF-style: chr12-8814694-G-A.
Other names: c.7C>T, p.Leu3Phe (NM_001297709.2, NM_001297710.2, NM_001297711.2 and 1 more transcripts); short protein forms L3F.
Identifiers: ClinVar variation 1761590 (VCV001761590.9), dbSNP rs1482337777, ClinGen allele CA384039764.